The following is an entry in ClinVar:

ClinVar aggregate classification (germline): Likely benign. Review status: criteria provided, multiple submitters, no conflicts (2 of 4 stars). 2 submissions from 2 submitters: Likely benign (2). Last evaluated 2026-01-11.

Conditions:
Combined immunodeficiency due to MALT1 deficiency. Also called: Immunodeficiency 12. Identifiers: Orphanet 397964, MedGen C3809583, MONDO:0014197, OMIM 615468.

Submissions (2):

Labcorp Genetics (formerly Invitae), Labcorp
Classification: Likely benign for Combined immunodeficiency due to MALT1 deficiency. Last evaluated: 2026-01-11. Review status: criteria provided, single submitter. Criteria: Invitae Variant Classification Sherloc (09022015). Collection method: clinical testing. Allele origin: germline.

Mayo Clinic Laboratories, Mayo Clinic
Classification: Likely benign. Last evaluated: 2025-03-31. Review status: criteria provided, single submitter. Criteria: ACMG Guidelines, 2015. Collection method: clinical testing. Allele origin: germline. Observed: 1 variant allele.
Comment: BP4, BP7

NM_006785.4(MALT1):c.1019-5C>T

Gene: MALT1 (MALT1 paracaspase; plus strand). Cytogenetic location: 18q21.32.
Variant type: single nucleotide variant.
Coding change: c.1019-5C>T on transcript NM_006785.4 (MANE Select); 5 bases into the intron before coding-DNA position 1019, C replaced by T.
Molecular consequence: intron variant.
Genome position (GRCh38, 1-based): chr18:58,723,043, C>T. VCF-style: chr18-58723043-C-T. GRCh37 (hg19) VCF-style: chr18-56390275-C-T.
Other names: p.?; c.986-5C>T (NM_173844.3).
Identifiers: ClinVar variation 3619353 (VCV003619353.3).
Genomic context (GRCh38, chr18:58,723,043, plus strand): 5'-TCTCCATAGGTTTTGTTTTAATCTTTATATCTTCTTTAAACACCCCCTTTCTTTTTTTTT[C>T]AAAGCGAAGGACAAGGTTGCCCTTTTGATAGGAAATATGAATTACCGGGAGCACCCCAAG-3'